The following is an entry in ClinVar:

ClinVar aggregate classification (germline): Uncertain significance (1 of 4 stars; one submission).

Submission:

Labcorp Genetics (formerly Invitae), Labcorp
Classification: Uncertain significance. Last evaluated: 2023-08-30. Review status: criteria provided, single submitter. Criteria: Invitae Variant Classification Sherloc (09022015). Collection method: clinical testing. Allele origin: germline.
Comment: In summary, the available evidence is currently insufficient to determine the role of this variant in disease. Therefore, it has been classified as a Variant of Uncertain Significance. An algorithm developed to predict the effect of missense changes on protein structure and function (PolyPhen-2) suggests that this variant is likely to be disruptive. This variant has not been reported in the literature in individuals affected with DTHD1-related conditions. This variant is not present in population databases (gnomAD no frequency). This sequence change replaces glycine, which is neutral and non-polar, with glutamic acid, which is acidic and polar, at codon 117 of the DTHD1 protein (p.Gly117Glu).

NM_001170700.3(DTHD1):c.1220G>A (p.Gly407Glu)

Gene: DTHD1 (death domain containing 1; plus strand). Cytogenetic location: 4p14.
Variant type: single nucleotide variant.
Coding change: c.1220G>A on transcript NM_001170700.3 (MANE Select); coding-DNA position 1220, G replaced by A.
Protein change: p.Gly407Glu; replaces glycine 407 with glutamic acid.
Molecular consequence: missense variant. On other transcripts: non-coding transcript variant (1), intron variant (1).
Genome position (GRCh38, 1-based): chr4:36,293,527, G>A. VCF-style: chr4-36293527-G-A. GRCh37 (hg19) VCF-style: chr4-36295149-G-A.
Other names: c.350G>A, p.Gly117Glu (NM_001136536.5); c.349-62G>A (NM_001378435.1); short protein forms G117E, G407E.
Identifiers: ClinVar variation 2756793 (VCV002756793.3), dbSNP rs1176561094, ClinGen allele CA356679322.
Genomic context (GRCh38, chr4:36,293,527, plus strand): 5'-CAGCAAATATTTTTCAAATCAGTGCTATAGCTTATTTTAATGTTCTTTATTCTATACAGG[G>A]GACCTGTGCTTCAGTAAAAGTTTACAAATTGGGTATCTTTTCTGTTGTGTCTTGTTTAAA-3'
Protein context (NP_001164171.2, residues 397-417): SLEGMKGGYK[Gly407Glu]TCASVKVYKL